The following is an entry in ClinVar:

ClinVar aggregate classification (germline): Likely pathogenic (1 of 4 stars; one submission).

Conditions:
RASopathy. Also called: rasopathies; Noonan spectrum disorder. Identifiers: Orphanet 536391, MedGen C5555857, MONDO:0021060.

gnomAD v4.1: 1 of 1,613,802 alleles (0.000062%); highest among the groups gnomAD compares: African/African-American, 0.0013%; no homozygotes.

Submission:

Labcorp Genetics (formerly Invitae), Labcorp
Classification: Likely pathogenic for RASopathy. Last evaluated: 2025-07-27. Review status: criteria provided, single submitter. Criteria: Invitae Variant Classification Sherloc (09022015). Collection method: clinical testing. Allele origin: germline.
Comment: This sequence change replaces histidine, which is basic and polar, with asparagine, which is neutral and polar, at codon 398 of the CBL protein (p.His398Asn). This variant is not present in population databases (gnomAD no frequency). This variant has not been reported in the literature in individuals affected with CBL-related conditions. Invitae Evidence Modeling of protein sequence and biophysical properties (such as structural, functional, and spatial information, amino acid conservation, physicochemical variation, residue mobility, and thermodynamic stability) indicates that this missense variant is expected to disrupt CBL protein function with a positive predictive value of 95%. This variant disrupts the p.His398 amino acid residue in CBL. Other variant(s) that disrupt this residue have been determined to be pathogenic (internal data). This suggests that this residue is clinically significant, and that variants that disrupt this residue are likely to be disease-causing. In summary, the currently available evidence indicates that the variant is pathogenic, but additional data are needed to prove that conclusively. Therefore, this variant has been classified as Likely Pathogenic.

NM_005188.4(CBL):c.1192C>A (p.His398Asn)

Gene: CBL (Cbl proto-oncogene; plus strand). Cytogenetic location: 11q23.3.
Variant type: single nucleotide variant.
Coding change: c.1192C>A on transcript NM_005188.4 (MANE Select); coding-DNA position 1192, C replaced by A.
Protein change: p.His398Asn; replaces histidine 398 with asparagine.
Molecular consequence: missense variant.
Genome position (GRCh38, 1-based): chr11:119,278,262, C>A. VCF-style: chr11-119278262-C-A. GRCh37 (hg19) VCF-style: chr11-119148972-C-A.
Other names: short protein forms H398N.
Identifiers: ClinVar variation 4800612 (VCV004800612.1).